The following is an entry in ClinVar:

ClinVar aggregate classification (germline): Likely benign (1 of 4 stars; one submission).

Allele frequency attached by ClinVar (database versions not stated): gnomAD 0.00891 and 0.00940; TOPMed 0.01003; 1000 Genomes Project 0.01058; 1000 Genomes Project 30x 0.01062.
gnomAD v4.1: 1,335 of 151,462 alleles (0.88%); highest among the groups gnomAD compares: African/African-American, 3%; 19 homozygotes.

Submission:

GeneDx
Classification: Likely benign. Last evaluated: 2018-06-16. Review status: criteria provided, single submitter. Criteria: GeneDx Variant Classification (06012015). Collection method: clinical testing. Allele origin: germline. Affected: yes.
Comment: This variant is considered likely benign or benign based on one or more of the following criteria: it is a conservative change, it occurs at a poorly conserved position in the protein, it is predicted to be benign by multiple in silico algorithms, and/or has population frequency not consistent with disease.

NM_001035.3(RYR2):c.8130-290T>C

Gene: RYR2 (ryanodine receptor 2; plus strand). Cytogenetic location: 1q43.
Variant type: single nucleotide variant.
Coding change: c.8130-290T>C on transcript NM_001035.3 (MANE Select); 290 bases into the intron before coding-DNA position 8130, T replaced by C.
Molecular consequence: intron variant.
Genome position (GRCh38, 1-based): chr1:237,657,654, T>C. VCF-style: chr1-237657654-T-C. GRCh37 (hg19) VCF-style: chr1-237820954-T-C.
Identifiers: ClinVar variation 673863 (VCV000673863.1), dbSNP rs139088766, ClinGen allele CA39803679.